The following is an entry in ClinVar:

NM_001244008.2(KIF1A):c.2100G>A (p.Glu700=)

Gene: KIF1A (kinesin family member 1A; minus strand). Cytogenetic location: 2q37.3.
Variant type: single nucleotide variant.
Coding change: c.2100G>A on transcript NM_001244008.2 (MANE Select); coding-DNA position 2100, G replaced by A.
Protein change: p.Glu700=; no amino-acid change (glutamic acid 700 retained).
Molecular consequence: synonymous variant.
Genome position (GRCh38, 1-based): chr2:240,762,735, C>T on the plus strand (G>A on the coding strand, the complement: KIF1A is on the minus strand). VCF-style: chr2-240762735-C-T. GRCh37 (hg19) VCF-style: chr2-241702152-C-T.
Other names: c.2100G>A, p.Glu700= (NM_001320705.2, NM_001330289.2, NM_001379638.1); c.2175G>A, p.Glu725= (NM_001330290.2, NM_001379631.1, NM_001379634.1 and 2 more transcripts); c.2073G>A, p.Glu691= (NM_001379632.1, NM_001379633.1, NM_001379636.1 and 10 more transcripts); c.2148G>A, p.Glu716= (NM_001379637.1, NM_001379648.1).
Identifiers: ClinVar variation 464217 (VCV000464217.47), dbSNP rs374701055, ClinGen allele CA2208201.

ClinVar aggregate classification (germline): Conflicting classifications of pathogenicity. Review status: criteria provided, conflicting classifications (1 of 4 stars). 4 submissions from 4 submitters: Uncertain significance (1); Likely benign (3). Last evaluated 2025-08-17.

Conditions:
Inborn genetic diseases. Identifiers: MedGen C0950123, MeSH D030342.
Hereditary spastic paraplegia 30. Identifiers: Orphanet 101010, MedGen C5235139, MONDO:0012476.
Neuropathy, hereditary sensory, type 2C. Also called: Hereditary sensory and autonomic neuropathy type IIC; KIF1A-Related HSAN2 (HSAN2C). Identifiers: Orphanet 970, MedGen C3280168, MONDO:0013634, OMIM 614213.
Intellectual disability, autosomal dominant 9 (NESCAVS). Also called: NESCAV SYNDROME; KIF1A-Related Neurodevelopmental Disorder. Identifiers: Orphanet 662367, MedGen C5393830, MONDO:0013656, OMIM 614255.

Allele frequency attached by ClinVar (database versions not stated): gnomAD exomes below 0.00001 and 0.00002; gnomAD 0.00001; TOPMed 0.00002; ExAC 0.00004; ESP Exome Variant Server 0.00016.
gnomAD v4.1: 8 of 1,594,388 alleles (0.0005%); highest among the groups gnomAD compares: Non-Finnish European, 0.00069%; no homozygotes.

Submissions (4):

Labcorp Genetics (formerly Invitae), Labcorp
Classification: Likely benign for Hereditary spastic paraplegia 30; Neuropathy, hereditary sensory, type 2C; Intellectual disability, autosomal dominant 9. Last evaluated: 2025-08-17. Review status: criteria provided, single submitter. Criteria: Invitae Variant Classification Sherloc (09022015). Collection method: clinical testing. Allele origin: germline.

CeGaT Center for Human Genetics Tuebingen
Classification: Likely benign. Last evaluated: 2022-09-01. Review status: criteria provided, single submitter. Criteria: CeGaT Center For Human Genetics Tuebingen Variant Classification Criteria Version 2. Collection method: clinical testing. Allele origin: germline. Affected: yes. Observed: 1 variant allele.
Comment: KIF1A: BP4, BP7

Illumina Laboratory Services, Illumina
Classification: Uncertain significance for Spastic paraplegia 30A, autosomal dominant. Last evaluated: 2018-01-13. Review status: criteria provided, single submitter. Criteria: ICSL Variant Classification Criteria 13 December 2019. Collection method: clinical testing. Allele origin: germline.

Ambry Genetics
Classification: Likely benign for Inborn genetic diseases. Last evaluated: 2017-07-25. Review status: criteria provided, single submitter. Criteria: Ambry Variant Classification Scheme 2023. Collection method: clinical testing. Allele origin: germline.